The following is an entry in ClinVar:

NM_004608.4(TBX6):c.1132C>T (p.Arg378Cys)

Gene: TBX6 (T-box transcription factor 6; minus strand). Cytogenetic location: 16p11.2.
Variant type: single nucleotide variant.
Coding change: c.1132C>T on transcript NM_004608.4 (MANE Select); coding-DNA position 1132, C replaced by T.
Protein change: p.Arg378Cys; replaces arginine 378 with cysteine.
Molecular consequence: missense variant.
Genome position (GRCh38, 1-based): chr16:30,086,404, G>A on the plus strand (C>T on the coding strand, the complement: TBX6 is on the minus strand). VCF-style: chr16-30086404-G-A. GRCh37 (hg19) VCF-style: chr16-30097725-G-A.
Other names: short protein forms R378C.
Identifiers: ClinVar variation 2212391 (VCV002212391.4), dbSNP rs752011765, ClinGen allele CA8001666.

ClinVar aggregate classification (germline): Uncertain significance. Review status: criteria provided, multiple submitters, no conflicts (2 of 4 stars). 2 submissions from 2 submitters: Uncertain significance (2). Last evaluated 2025-11-22.

Conditions:
Inborn genetic diseases. Identifiers: MedGen C0950123, MeSH D030342.

Allele frequency attached by ClinVar (database versions not stated): ExAC 0.00003; TOPMed 0.00004; gnomAD 0.00007.
gnomAD v4.1: 50 of 1,549,404 alleles (0.0032%); highest among the groups gnomAD compares: African/African-American, 0.0084%; no homozygotes.

Submissions (2):

Labcorp Genetics (formerly Invitae), Labcorp
Classification: Uncertain significance. Last evaluated: 2025-11-22. Review status: criteria provided, single submitter. Criteria: Invitae Variant Classification Sherloc (09022015). Collection method: clinical testing. Allele origin: germline.
Comment: This sequence change replaces arginine, which is basic and polar, with cysteine, which is neutral and slightly polar, at codon 378 of the TBX6 protein (p.Arg378Cys). The frequency data for this variant in the population databases is considered unreliable, as metrics indicate poor data quality at this position in the gnomAD database. This variant has not been reported in the literature in individuals affected with TBX6-related conditions. ClinVar contains an entry for this variant (Variation ID: 2212391). Invitae Evidence Modeling of protein sequence and biophysical properties (such as structural, functional, and spatial information, amino acid conservation, physicochemical variation, residue mobility, and thermodynamic stability) indicates that this missense variant is not expected to disrupt TBX6 protein function with a negative predictive value of 80%. In summary, the available evidence is currently insufficient to determine the role of this variant in disease. Therefore, it has been classified as a Variant of Uncertain Significance.

Ambry Genetics
Classification: Uncertain significance for Inborn genetic diseases. Last evaluated: 2025-08-06. Review status: criteria provided, single submitter. Criteria: Ambry Variant Classification Scheme 2023. Collection method: clinical testing. Allele origin: germline.